The following is an entry in ClinVar:

NM_000268.4(NF2):c.1355A>G (p.Asp452Gly)

Gene: NF2 (NF2, moesin-ezrin-radixin like (MERLIN) tumor suppressor; plus strand). Cytogenetic location: 22q12.2.
Variant type: single nucleotide variant.
Coding change: c.1355A>G on transcript NM_000268.4 (MANE Select); coding-DNA position 1355, A replaced by G.
Protein change: p.Asp452Gly; replaces aspartic acid 452 with glycine.
Molecular consequence: missense variant. On other transcripts: non-coding transcript variant (1), intron variant (1).
Genome position (GRCh38, 1-based): chr22:29,674,850, A>G. VCF-style: chr22-29674850-A-G. GRCh37 (hg19) VCF-style: chr22-30070839-A-G.
Other names: c.1355A>G, p.Asp452Gly (NM_016418.5, NM_181825.3, NM_181832.3); c.1229A>G, p.Asp410Gly (NM_181828.3); c.1232A>G, p.Asp411Gly (NM_181829.3); c.1106A>G, p.Asp369Gly (NM_181830.3, NM_181831.3); c.448-19902A>G (NM_181833.3); c.1355A>G (NM_000268.3); short protein forms D411G, D452G, D369G, D410G.
Identifiers: ClinVar variation 1423639 (VCV001423639.9), dbSNP rs2066912094, ClinGen allele CA411148846.

ClinVar aggregate classification (germline): Uncertain significance. Review status: criteria provided, multiple submitters, no conflicts (2 of 4 stars). 2 submissions from 2 submitters: Uncertain significance (2). Last evaluated 2025-11-03.

Conditions:
Hereditary cancer-predisposing syndrome. Also called: Hereditary Cancer Syndrome; Neoplastic Syndromes, Hereditary; Hereditary neoplastic syndrome; Tumor predisposition. Identifiers: Orphanet 140162, MedGen C0027672, MeSH D009386, MONDO:0015356.
Neurofibromatosis, type 2 (SWNV). Also called: BILATERAL ACOUSTIC NEUROFIBROMATOSIS; SCHWANNOMATOSIS, VESTIBULAR; NF2-Related Schwannomatosis. Identifiers: Orphanet 637, MedGen C0027832, MONDO:0007039, OMIM 101000. Disease mechanism: loss of function.

Allele frequency attached by ClinVar (database versions not stated): TOPMed below 0.00001.

Submissions (2):

Labcorp Genetics (formerly Invitae), Labcorp
Classification: Uncertain significance for Neurofibromatosis, type 2. Last evaluated: 2025-11-03. Review status: criteria provided, single submitter. Criteria: Invitae Variant Classification Sherloc (09022015). Collection method: clinical testing. Allele origin: germline.
Comment: This sequence change replaces aspartic acid, which is acidic and polar, with glycine, which is neutral and non-polar, at codon 452 of the NF2 protein (p.Asp452Gly). This variant is not present in population databases (gnomAD no frequency). This variant has not been reported in the literature in individuals affected with NF2-related conditions. ClinVar contains an entry for this variant (Variation ID: 1423639). Invitae Evidence Modeling of protein sequence and biophysical properties (such as structural, functional, and spatial information, amino acid conservation, physicochemical variation, residue mobility, and thermodynamic stability) indicates that this missense variant is not expected to disrupt NF2 protein function with a negative predictive value of 80%. In summary, the available evidence is currently insufficient to determine the role of this variant in disease. Therefore, it has been classified as a Variant of Uncertain Significance.

Ambry Genetics
Classification: Uncertain significance for Hereditary cancer-predisposing syndrome. Last evaluated: 2024-04-07. Review status: criteria provided, single submitter. Criteria: Ambry Variant Classification Scheme 2023. Collection method: clinical testing. Allele origin: germline.
Comment: The p.D452G variant (also known as c.1355A>G), located in coding exon 13 of the NF2 gene, results from an A to G substitution at nucleotide position 1355. The aspartic acid at codon 452 is replaced by glycine, an amino acid with similar properties. This amino acid position is conserved. In addition, the in silico prediction for this alteration is inconclusive. Based on the available evidence, the clinical significance of this variant remains unclear.